The following is an entry in ClinVar:

NM_000264.5(PTCH1):c.776_777insG (p.Phe259fs)

Gene: PTCH1 (patched 1; minus strand). Cytogenetic location: 9q22.32.
Variant type: Insertion.
Coding change: c.776_777insG on transcript NM_000264.5 (MANE Select); coding-DNA positions 776 to 777, G inserted.
Protein change: p.Phe259fs; shifts the reading frame from phenylalanine 259.
Molecular consequence: frameshift variant. On other transcripts: non-coding transcript variant (1).
Genome position: GRCh38 VCF-style: chr9-95480558-G-GC. GRCh37 (hg19) VCF-style: chr9-98242840-G-GC.
Other names: c.578_579insG, p.Phe193fs (NM_001083602.3); c.773_774insG, p.Phe258fs (NM_001083603.3); c.323_324insG, p.Phe108fs (NM_001083604.3, NM_001083605.3, NM_001083606.3 and 1 more transcripts); c.776_777insG, p.Phe259fs (NM_001354918.2); short protein forms F258fs, F259fs, F193fs, F108fs.
Identifiers: ClinVar variation 4725923 (VCV004725923.1).

ClinVar aggregate classification (germline): Pathogenic (1 of 4 stars; one submission).

Conditions:
Gorlin syndrome. Also called: Basal cell nevus syndrome; Nevoid Basal Cell Carcinoma Syndrome. Identifiers: Orphanet 377, MedGen C0004779, MONDO:0007187.

Submission:

Labcorp Genetics (formerly Invitae), Labcorp
Classification: Pathogenic for Gorlin syndrome. Last evaluated: 2025-08-24. Review status: criteria provided, single submitter. Criteria: Invitae Variant Classification Sherloc (09022015). Collection method: clinical testing. Allele origin: germline.
Comment: This sequence change creates a premature translational stop signal (p.Phe259Leufs*26) in the PTCH1 gene. It is expected to result in an absent or disrupted protein product. Loss-of-function variants in PTCH1 are known to be pathogenic (PMID: 16301862, 16419085). This variant is not present in population databases (gnomAD no frequency). This variant has not been reported in the literature in individuals affected with PTCH1-related conditions. For these reasons, this variant has been classified as Pathogenic.

Literature cited by the submitters: PubMed 16301862; PubMed 16419085.